The following is an entry in ClinVar:

NM_017780.4(CHD7):c.7423_7429del (p.Ser2475fs)

Gene: CHD7 (chromodomain helicase DNA binding protein 7; plus strand). Cytogenetic location: 8q12.2.
Variant type: Deletion.
Coding change: c.7423_7429del on transcript NM_017780.4 (MANE Select); coding-DNA positions 7423 to 7429, 7 bases deleted (TCTGATG; older notation c.7423_7429delTCTGATG).
Protein change: p.Ser2475fs; shifts the reading frame from serine 2475.
Molecular consequence: frameshift variant. On other transcripts: intron variant (1).
Genome position (GRCh38, 1-based): chr8:60,856,703-60,856,709, TCTGATG deleted; deleting any 7 consecutive bases within chr8:60,856,701-60,856,709 gives the same sequence; the c. name uses the placement nearest the transcript's 3' end. VCF-style (leftmost placement, unchanged base first): chr8-60856700-GTGTCTGA-G. GRCh37 (hg19) VCF-style: chr8-61769259-GTGTCTGA-G.
Other names: c.1717-5526_1717-5520del (NM_001316690.1); short protein forms S2475fs.
Identifiers: ClinVar variation 3346863 (VCV003346863.1).

ClinVar aggregate classification (germline): Pathogenic (0 of 4 stars; one submission).

Conditions:
CHD7-related disorder. Also called: CHD7-related condition.

Submission:

PreventionGenetics, part of Exact Sciences
Classification: Pathogenic for CHD7-related condition. Last evaluated: 2024-06-27. Review status: no assertion criteria provided. Collection method: clinical testing. Allele origin: germline.
Comment: The CHD7 c.7423_7429del7 variant is predicted to result in a frameshift and premature protein termination (p.Ser2475Profs*26). To our knowledge, this variant has not been reported in the literature or in a large population database, indicating it is rare. Frameshift variants in CHD7 are expected to be pathogenic, and an overlapping frameshift has been reported in a patient with CHARGE syndrome (c.7418_7427del, p.Pro2473Leufs*27; Bartels. 2010. PubMed ID: 21158681). The c.7423_7429del7 (p.Ser2475Profs*26) variant is interpreted as pathogenic.